The following is an entry in ClinVar:

NM_012062.5(DNM1L):c.1679T>C (p.Ile560Thr)

Gene: DNM1L (dynamin 1 like; plus strand). Cytogenetic location: 12p11.21.
Variant type: single nucleotide variant.
Coding change: c.1679T>C on transcript NM_012062.5 (MANE Select); coding-DNA position 1679, T replaced by C.
Protein change: p.Ile560Thr; replaces isoleucine 560 with threonine.
Molecular consequence: missense variant. On other transcripts: intron variant (4).
Genome position (GRCh38, 1-based): chr12:32,738,268, T>C. VCF-style: chr12-32738268-T-C. GRCh37 (hg19) VCF-style: chr12-32891202-T-C.
Other names: c.1601T>C, p.Ile534Thr (NM_012063.4); c.1713+326T>C (NM_001278465.2); c.1635+1107T>C (NM_001330380.2); c.1674+326T>C (NM_001278463.2); c.1596+1107T>C (NM_005690.5); c.1718T>C, p.Ile573Thr (NM_001278464.2); c.1070T>C, p.Ile357Thr (NM_001278466.2); short protein forms I357T, I534T, I560T, I573T.
Identifiers: ClinVar variation 2127850 (VCV002127850.4), dbSNP rs2541112492, ClinGen allele CA384361448.

ClinVar aggregate classification (germline): Uncertain significance (1 of 4 stars; one submission).

Submission:

Labcorp Genetics (formerly Invitae), Labcorp
Classification: Uncertain significance. Last evaluated: 2025-08-06. Review status: criteria provided, single submitter. Criteria: Invitae Variant Classification Sherloc (09022015). Collection method: clinical testing. Allele origin: germline.
Comment: This sequence change replaces isoleucine, which is neutral and non-polar, with threonine, which is neutral and polar, at codon 560 of the DNM1L protein (p.Ile560Thr). This variant is not present in population databases (gnomAD no frequency). This variant has not been reported in the literature in individuals affected with DNM1L-related conditions. ClinVar contains an entry for this variant (Variation ID: 2127850). An algorithm developed to predict the effect of missense changes on protein structure and function (PolyPhen-2) suggests that this variant is likely to be tolerated. In summary, the available evidence is currently insufficient to determine the role of this variant in disease. Therefore, it has been classified as a Variant of Uncertain Significance.